The following is an entry in ClinVar:

ClinVar aggregate classification (germline): Uncertain significance (1 of 4 stars; one submission).

Conditions:
Neutropenia, severe congenital, 2, autosomal dominant. Identifiers: Orphanet 486, MedGen C2751288, MONDO:0013139, OMIM 613107.

Allele frequency attached by ClinVar (database versions not stated): gnomAD exomes below 0.00001 and 0.00001.
gnomAD v4.1: 6 of 1,614,062 alleles (0.00037%); highest among the groups gnomAD compares: South Asian, 0.0066%; no homozygotes.

Submission:

Labcorp Genetics (formerly Invitae), Labcorp
Classification: Uncertain significance for Neutropenia, severe congenital, 2, autosomal dominant. Last evaluated: 2020-12-08. Review status: criteria provided, single submitter. Criteria: Invitae Variant Classification Sherloc (09022015). Collection method: clinical testing. Allele origin: germline.
Comment: This variant is not present in population databases (ExAC no frequency). In summary, the available evidence is currently insufficient to determine the role of this variant in disease. Therefore, it has been classified as a Variant of Uncertain Significance. Algorithms developed to predict the effect of missense changes on protein structure and function (SIFT, PolyPhen-2, Align-GVGD) all suggest that this variant is likely to be disruptive, but these predictions have not been confirmed by published functional studies and their clinical significance is uncertain. This variant has not been reported in the literature in individuals with GFI1-related conditions. This sequence change replaces threonine with isoleucine at codon 391 of the GFI1 protein (p.Thr391Ile). The threonine residue is highly conserved and there is a moderate physicochemical difference between threonine and isoleucine.

NM_005263.5(GFI1):c.1172C>T (p.Thr391Ile)

Genes: GFI1 (growth factor independent 1 transcriptional repressor; minus strand), LOC129930930 (ATAC-STARR-seq lymphoblastoid active region 1314; plus strand). Cytogenetic location: 1p22.1.
Variant type: single nucleotide variant.
Coding change: c.1172C>T on transcript NM_005263.5 (MANE Select); coding-DNA position 1172, C replaced by T.
Protein change: p.Thr391Ile; replaces threonine 391 with isoleucine.
Molecular consequence: missense variant.
Genome position (GRCh38, 1-based): chr1:92,476,126, G>A on the plus strand (C>T on the coding strand, the complement: GFI1 is on the minus strand). VCF-style: chr1-92476126-G-A. GRCh37 (hg19) VCF-style: chr1-92941683-G-A.
Other names: c.1172C>T, p.Thr391Ile (NM_001127215.3, NM_001127216.3); short protein forms T391I.
Identifiers: ClinVar variation 1417552 (VCV001417552.8), dbSNP rs1359056019, ClinGen allele CA341147794.